The following is an entry in ClinVar:

NM_001166108.2(PALLD):c.*73del

Genes: CBR4 (carbonyl reductase 4; minus strand), PALLD (palladin, cytoskeletal associated protein; plus strand). Cytogenetic location: 4q32.3.
Variant type: Deletion.
Coding change: c.*73del on transcript NM_001166108.2 (MANE Select); 73 bases downstream of the stop codon, one base deleted (A; older notation c.*73delA).
Molecular consequence: 3 prime UTR variant. On other transcripts: frameshift variant (4).
Genome position (GRCh38, 1-based): chr4:168,926,253, A deleted; the last of 7 consecutive A bases (chr4:168,926,247-168,926,253); deleting any one gives the same sequence. VCF-style (leftmost placement, unchanged base first): chr4-168926246-CA-C. GRCh37 (hg19) VCF-style: chr4-169847397-CA-C.
Other names: c.2202del, p.Val735fs (NM_001166109.2); c.1887del, p.Val630fs (NM_001166110.2); c.*73del (NM_001367567.1, NM_001367570.1, NM_016081.4); c.1278del, p.Val427fs (NM_001367568.1); c.1227del, p.Val410fs (NM_001367569.1); short protein forms V630fs, V735fs, V410fs, V427fs.
Identifiers: ClinVar variation 4130453 (VCV004130453.2).

ClinVar aggregate classification (germline): Uncertain significance (1 of 4 stars; one submission).

Submission:

Ambry Genetics
Classification: Uncertain significance. Last evaluated: 2026-07-30. Review status: criteria provided, single submitter. Criteria: Ambry Variant Classification Scheme 2023. Collection method: clinical testing. Allele origin: germline.
Comment: The c.1887delA variant, located in coding exon 11 of the PALLD gene, results from a deletion of one nucleotide at nucleotide position 1887, causing a translational frameshift with a predicted alternate stop codon (p.V630Yfs*16). The evidence for this gene-disease relationship is limited; therefore, the clinical significance of this variant is unclear.